The following is an entry in ClinVar:

NM_000182.5(HADHA):c.*510A>T

Genes: HADHA (hydroxyacyl-CoA dehydrogenase trifunctional multienzyme complex subunit alpha; minus strand), GAREM2 (GRB2 associated regulator of MAPK1 subtype 2; plus strand). Cytogenetic location: 2p23.3.
Variant type: single nucleotide variant.
Coding change: c.*510A>T on transcript NM_000182.5 (MANE Select); 510 bases downstream of the stop codon, A replaced by T.
Molecular consequence: 3 prime UTR variant.
Genome position (GRCh38, 1-based): chr2:26,190,740, T>A on the plus strand (A>T on the coding strand, the complement: HADHA is on the minus strand). VCF-style: chr2-26190740-T-A. GRCh37 (hg19) VCF-style: chr2-26413609-T-A.
Identifiers: ClinVar variation 335363 (VCV000335363.6), dbSNP rs13432453, ClinGen allele CA10612960.
Genomic context (GRCh38, chr2:26,190,740, plus strand): 5'-GAAGCCTGGGCAAAGCATCTGCACAGACAGGTGTGTGTGGTTGAGCCCACCAGGTCCCAC[T>A]TTCTCTCATCCCAGTCCCTCCCTAAGGTGCTGCCTAGAATTCTGCACACACATTCTTACT-3'

ClinVar aggregate classification (germline): Benign. Review status: criteria provided, multiple submitters, no conflicts (2 of 4 stars). 3 submissions from 2 submitters: Benign (3). Last evaluated 2018-01-12.

Conditions:
Long chain 3-hydroxyacyl-CoA dehydrogenase deficiency. Also called: Deficiency of long-chain 3-hydroxyacyl-coenzyme A dehydrogenase; LCHAD Deficiency. Identifiers: Orphanet 5, MedGen C3711645, MONDO:0012173, OMIM 609016.
Mitochondrial trifunctional protein deficiency. Identifiers: Orphanet 746, MedGen C1969443, MONDO:0012172.

Allele frequency attached by ClinVar (database versions not stated): gnomAD exomes 0.00581; gnomAD 0.04252 and 0.04522; TOPMed 0.04909; 1000 Genomes Project 0.05152; 1000 Genomes Project 30x 0.05450.
gnomAD v4.1: 6,702 of 200,956 alleles (3.3%); highest among the groups gnomAD compares: African/African-American, 14%; 461 homozygotes.

Submissions (3):

Illumina Laboratory Services, Illumina
Classification: Benign for Mitochondrial trifunctional protein deficiency 1. Last evaluated: 2018-01-12. Review status: criteria provided, single submitter. Criteria: ICSL Variant Classification Criteria 13 December 2019. Collection method: clinical testing. Allele origin: germline.
Comment: This variant was observed in the ICSL laboratory as part of a predisposition screen in an ostensibly healthy population. It had not been previously curated by ICSL or reported in the Human Gene Mutation Database (HGMD: prior to June 1st, 2018), and was therefore a candidate for classification through an automated scoring system. Utilizing variant allele frequency, disease prevalence and penetrance estimates, and inheritance mode, an automated score was calculated to assess if this variant is too frequent to cause the disease. Based on the score and internal cut-off values, a variant classified as benign is not then subjected to further curation. The score for this variant resulted in a classification of benign for this disease.

Illumina Laboratory Services, Illumina
Classification: Benign for Long chain 3-hydroxyacyl-CoA dehydrogenase deficiency. Last evaluated: 2018-01-12. Review status: criteria provided, single submitter. Criteria: ICSL Variant Classification Criteria 13 December 2019. Collection method: clinical testing. Allele origin: germline.
Comment: the same text as in the submission from Illumina Laboratory Services, Illumina above.

Breakthrough Genomics
Classification: Benign. Review status: criteria provided, single submitter. Criteria: ACMG Guidelines, 2015. Collection method: not provided. Allele origin: germline. Inheritance: Autosomal recessive inheritance. Affected: yes.